The following is an entry in ClinVar:

NM_001041.4(SI):c.986A>T (p.Asp329Val)

Gene: SI (sucrase-isomaltase; minus strand). Cytogenetic location: 3q26.1.
Variant type: single nucleotide variant.
Coding change: c.986A>T on transcript NM_001041.4 (MANE Select); coding-DNA position 986, A replaced by T.
Protein change: p.Asp329Val; replaces aspartic acid 329 with valine.
Molecular consequence: missense variant.
Genome position (GRCh38, 1-based): chr3:165,062,405, T>A on the plus strand (A>T on the coding strand, the complement: SI is on the minus strand). VCF-style: chr3-165062405-T-A. GRCh37 (hg19) VCF-style: chr3-164780193-T-A.
Other names: short protein forms D329V.
Identifiers: ClinVar variation 1469772 (VCV001469772.3), dbSNP rs762221257, ClinGen allele CA2691233.
Genomic context (GRCh38, chr3:165,062,405, plus strand): 5'-TTTTATAAAATAGACCTGAAACACACCTGTTGATACTGTTGAACTACTTGTTCTGGTGTA[T>A]CTCCTAGAAGGATGTAAAAATCCAGAATGCCACCGGTAACTCTATATGTTACTATTGGAG-3'
Protein context (NP_001032.2, residues 319-339): GILDFYILLG[Asp329Val]TPEQVVQQYQ

ClinVar aggregate classification (germline): Uncertain significance (1 of 4 stars; one submission).

Allele frequency attached by ClinVar (database versions not stated): gnomAD exomes below 0.00001; ExAC 0.00001.
gnomAD v4.1: 5 of 1,595,862 alleles (0.00031%); highest among the groups gnomAD compares: South Asian, 0.0044%; no homozygotes.

Submission:

Labcorp Genetics (formerly Invitae), Labcorp
Classification: Uncertain significance. Last evaluated: 2021-12-06. Review status: criteria provided, single submitter. Criteria: Invitae Variant Classification Sherloc (09022015). Collection method: clinical testing. Allele origin: germline.
Comment: This sequence change replaces aspartic acid, which is acidic and polar, with valine, which is neutral and non-polar, at codon 329 of the SI protein (p.Asp329Val). This variant is present in population databases (rs762221257, gnomAD 0.003%). This variant has not been reported in the literature in individuals affected with SI-related conditions. Advanced modeling of protein sequence and biophysical properties (such as structural, functional, and spatial information, amino acid conservation, physicochemical variation, residue mobility, and thermodynamic stability) performed at Invitae indicates that this missense variant is expected to disrupt SI protein function. In summary, the available evidence is currently insufficient to determine the role of this variant in disease. Therefore, it has been classified as a Variant of Uncertain Significance.